The following is an entry in ClinVar:

ClinVar aggregate classification (germline): Likely benign (1 of 4 stars; one submission).

Submission:

CeGaT Center for Human Genetics Tuebingen
Classification: Likely benign. Last evaluated: 2025-02-01. Review status: criteria provided, single submitter. Criteria: CeGaT Center For Human Genetics Tuebingen Variant Classification Criteria Version 2. Collection method: clinical testing. Allele origin: germline. Affected: yes. Observed: 1 variant allele.
Comment: KRTAP1-5: BP4, BP7

NM_031957.2(KRTAP1-5):c.177T>C (p.Ser59=)

Gene: KRTAP1-5 (keratin associated protein 1-5; minus strand). Cytogenetic location: 17q21.2.
Variant type: single nucleotide variant.
Coding change: c.177T>C on transcript NM_031957.2 (MANE Select); coding-DNA position 177, T replaced by C.
Protein change: p.Ser59=; no amino-acid change (serine 59 retained).
Molecular consequence: synonymous variant.
Genome position (GRCh38, 1-based): chr17:41,026,979, A>G on the plus strand (T>C on the coding strand, the complement: KRTAP1-5 is on the minus strand). VCF-style: chr17-41026979-A-G. GRCh37 (hg19) VCF-style: chr17-39183231-A-G.
Identifiers: ClinVar variation 3770664 (VCV003770664.13).